The following is an entry in ClinVar:

ClinVar aggregate classification (germline): Uncertain significance (1 of 4 stars; one submission).

Submission:

Labcorp Genetics (formerly Invitae), Labcorp
Classification: Uncertain significance. Last evaluated: 2024-10-07. Review status: criteria provided, single submitter. Criteria: Invitae Variant Classification Sherloc (09022015). Collection method: clinical testing. Allele origin: germline.
Comment: This sequence change replaces glutamine, which is neutral and polar, with arginine, which is basic and polar, at codon 148 of the EXTL3 protein (p.Gln148Arg). This variant is not present in population databases (gnomAD no frequency). This variant has not been reported in the literature in individuals affected with EXTL3-related conditions. Invitae Evidence Modeling of protein sequence and biophysical properties (such as structural, functional, and spatial information, amino acid conservation, physicochemical variation, residue mobility, and thermodynamic stability) indicates that this missense variant is not expected to disrupt EXTL3 protein function with a negative predictive value of 80%. In summary, the available evidence is currently insufficient to determine the role of this variant in disease. Therefore, it has been classified as a Variant of Uncertain Significance.

NM_001440.4(EXTL3):c.443A>G (p.Gln148Arg)

Gene: EXTL3 (exostosin like glycosyltransferase 3; plus strand). Cytogenetic location: 8p21.1.
Variant type: single nucleotide variant.
Coding change: c.443A>G on transcript NM_001440.4 (MANE Select); coding-DNA position 443, A replaced by G.
Protein change: p.Gln148Arg; replaces glutamine 148 with arginine.
Molecular consequence: missense variant.
Genome position (GRCh38, 1-based): chr8:28,716,502, A>G. VCF-style: chr8-28716502-A-G. GRCh37 (hg19) VCF-style: chr8-28574019-A-G.
Other names: short protein forms Q148R.
Identifiers: ClinVar variation 3632012 (VCV003632012.2).